The following is an entry in ClinVar:

NM_014822.4(SEC24D):c.437C>T (p.Pro146Leu)

Gene: SEC24D (SEC24 homolog D, COPII coat complex component; minus strand). Cytogenetic location: 4q26.
Variant type: single nucleotide variant.
Coding change: c.437C>T on transcript NM_014822.4 (MANE Select); coding-DNA position 437, C replaced by T.
Protein change: p.Pro146Leu; replaces proline 146 with leucine.
Molecular consequence: missense variant.
Genome position (GRCh38, 1-based): chr4:118,815,687, G>A on the plus strand (C>T on the coding strand, the complement: SEC24D is on the minus strand). VCF-style: chr4-118815687-G-A. GRCh37 (hg19) VCF-style: chr4-119736842-G-A.
Other names: c.437C>T, p.Pro146Leu (NM_001318066.2); short protein forms P146L.
Identifiers: ClinVar variation 1307994 (VCV001307994.2), dbSNP rs764180632, ClinGen allele CA3057535.

ClinVar aggregate classification (germline): Uncertain significance (1 of 4 stars; one submission).

Allele frequency attached by ClinVar (database versions not stated): gnomAD exomes below 0.00001; ExAC 0.00001.
gnomAD v4.1: 1 of 1,614,124 alleles (0.000062%); highest among the groups gnomAD compares: South Asian, 0.0011%; no homozygotes.

Submission:

GeneDx
Classification: Uncertain significance. Last evaluated: 2019-03-19. Review status: criteria provided, single submitter. Criteria: GeneDx Variant Classification Process June 2021. Collection method: clinical testing. Allele origin: germline. Affected: yes.
Comment: In silico analysis, which includes protein predictors and evolutionary conservation, supports a deleterious effect; Has not been previously published as pathogenic or benign to our knowledge